The following is an entry in ClinVar:

ClinVar aggregate classification (germline): Uncertain significance (1 of 4 stars; one submission).

Conditions:
Cataract 20 multiple types (CTRCT20). Also called: Membranous cataract. Identifiers: Orphanet 91492, MedGen C0524524, MONDO:0007284, OMIM 116100, HP:0010922.

Submission:

Victorian Clinical Genetics Services, Murdoch Childrens Research Institute
Classification: Uncertain significance for Cataract 20 multiple types. Last evaluated: 2021-05-06. Review status: criteria provided, single submitter. Criteria: ACMG Guidelines, 2015. Collection method: clinical testing. Allele origin: germline. Inheritance: Autosomal dominant inheritance. Affected: yes.
Comment: Based on the classification scheme VCGS_Germline_v1.3.3, this variant is classified as 3B-VUS. Following criteria are met: 0102 - Loss of function is a likely mechanism of disease in this gene and is associated with cataract 20, multiple types (MIM#116100). (I) 0107 - This gene is associated with autosomal dominant disease. (I) 0205 - Variant is predicted to result in a truncated protein (premature termination codon is NOT located at least 54 nucleotides upstream of the final exon-exon junction) with less than 1/3 of the protein sequence affected. (SP) 0251 - This variant is heterozygous. (I) 0301 - Variant is absent from gnomAD (both v2 and v3). (SP) 0600 - Variant is predicted to lose part of the annotated fourth Greek key motif (PMID: 29964096). (I) 0705 - No comparable truncating variants have previous evidence for pathogenicity. (I) 0807 - This variant has no previous evidence of pathogenicity. (I) 0905 - No published segregation evidence has been identified for this variant. (I) 1007 - No published functional evidence has been identified for this variant. (I) 1208 - Inheritance information for this variant is not currently available in this individual. (I) Legend: (SP) - Supporting pathogenic, (I) - Information, (SB) - Supporting benign

Literature cited by the submitters: PubMed 29964096.

NM_017541.4(CRYGS):c.421G>T (p.Glu141Ter)

Gene: CRYGS (crystallin gamma S; minus strand). Cytogenetic location: 3q27.3.
Variant type: single nucleotide variant.
Coding change: c.421G>T on transcript NM_017541.4 (MANE Select); coding-DNA position 421, G replaced by T.
Protein change: p.Glu141Ter; replaces glutamic acid 141 with a stop codon.
Molecular consequence: nonsense.
Genome position (GRCh38, 1-based): chr3:186,538,812, C>A on the plus strand (G>T on the coding strand, the complement: CRYGS is on the minus strand). VCF-style: chr3-186538812-C-A. GRCh37 (hg19) VCF-style: chr3-186256601-C-A.
Other names: short protein forms E141*.
Identifiers: ClinVar variation 1806343 (VCV001806343.1), dbSNP rs967876042, ClinGen allele CA355703188.